The following is an entry in ClinVar:

ClinVar aggregate classification (germline): Pathogenic. Review status: criteria provided, multiple submitters, no conflicts (2 of 4 stars). 2 submissions from 2 submitters: Pathogenic (2). Last evaluated 2026-03-21.

Conditions:
Combined osteogenesis imperfecta and Ehlers-Danlos syndrome 1. Also called: OIEDS SYNDROME 1. Identifiers: MedGen C5436842, MONDO:0030854, OMIM 619115.
Osteogenesis imperfecta type I (OI1). Also called: OI, TYPE I; OSTEOGENESIS IMPERFECTA TARDA; OSTEOGENESIS IMPERFECTA WITH BLUE SCLERAE; Osteogenesis imperfecta type 1; Lobstein's Disease; Lobstein disease. Identifiers: Orphanet 216796, Orphanet 666, MedGen C0023931, MONDO:0008146, OMIM 166200. Disease mechanism: loss of function.

Submissions (2):

Clinical Genomics Laboratory, Washington University in St. Louis
Classification: Pathogenic for Combined osteogenesis imperfecta and Ehlers-Danlos syndrome 1. Last evaluated: 2026-03-21. Review status: criteria provided, single submitter. Criteria: ACMG Guidelines, 2015. Collection method: clinical testing. Allele origin: germline. Affected: yes.
Comment: The COL1A1 c.652G>T (p.Gly218Cys) variant has been reported in medical literature (Baldridge D et al., PMID: 28252636) and in the ClinVar database as a germline pathogenic variant by a single submitter. This variant is absent from the general population (gnomAD v4.1.0), indicating it is not a common variant. This variant disrupts the glycine residue of the triple helix domain and computational predictors indicate that the variant is damaging, evidence that correlates with impact to COL1A1 function. Other pathogenic variants in the same codon, (p.Gly218Arg, p.Gly218Asp, p.Gly218Val), have been reported in affected individuals (Bardai G et al., PMID: 27509835; Li LJ et al., PMID: 30614853; ClinVar Variation IDs: 1458042, 2159545). Based on available information and the ACMG/AMP guidelines for variant interpretation (Richards S et al., PMID: 25741868), this variant is classified as pathogenic.

Labcorp Genetics (formerly Invitae), Labcorp
Classification: Pathogenic for Osteogenesis imperfecta type I. Last evaluated: 2023-03-04. Review status: criteria provided, single submitter. Criteria: Invitae Variant Classification Sherloc (09022015). Collection method: clinical testing. Allele origin: germline.
Comment: For these reasons, this variant has been classified as Pathogenic. This variant disrupts the p.Gly218 amino acid residue in COL1A1. Other variant(s) that disrupt this residue have been observed in individuals with COL1A1-related conditions (PMID: 27509835, 30614853), which suggests that this may be a clinically significant amino acid residue. This variant disrupts the triple helix domain of COL1A1. Glycine residues within the Gly-Xaa-Yaa repeats of the triple helix domain are required for the structure and stability of fibrillar collagens (PMID: 7695699, 8218237, 19344236). In COL1A1, variants affecting these glycine residues are significantly enriched in individuals with disease (PMID: 9016532, 17078022) compared to the general population (ExAC). Advanced modeling of protein sequence and biophysical properties (such as structural, functional, and spatial information, amino acid conservation, physicochemical variation, residue mobility, and thermodynamic stability) performed at Invitae indicates that this missense variant is expected to disrupt COL1A1 protein function. ClinVar contains an entry for this variant (Variation ID: 1442398). This missense change has been observed in individual(s) with osteogenesis imperfecta (PMID: 28252636). This variant is not present in population databases (gnomAD no frequency). This sequence change replaces glycine, which is neutral and non-polar, with cysteine, which is neutral and slightly polar, at codon 218 of the COL1A1 protein (p.Gly218Cys).

Literature cited by the submitters: PubMed 27509835 (cited by Labcorp Genetics (formerly Invitae), Labcorp); PubMed 30614853 (cited by Labcorp Genetics (formerly Invitae), Labcorp); PubMed 7695699 (cited by Labcorp Genetics (formerly Invitae), Labcorp); PubMed 8218237 (cited by Labcorp Genetics (formerly Invitae), Labcorp); PubMed 19344236 (cited by Labcorp Genetics (formerly Invitae), Labcorp); PubMed 9016532 (cited by Labcorp Genetics (formerly Invitae), Labcorp); PubMed 17078022 (cited by Labcorp Genetics (formerly Invitae), Labcorp); PubMed 28252636 (cited by Labcorp Genetics (formerly Invitae), Labcorp).

NM_000088.4(COL1A1):c.652G>T (p.Gly218Cys)

Gene: COL1A1 (collagen type I alpha 1 chain; minus strand). Cytogenetic location: 17q21.33.
Variant type: single nucleotide variant.
Coding change: c.652G>T on transcript NM_000088.4 (MANE Select); coding-DNA position 652, G replaced by T.
Protein change: p.Gly218Cys; replaces glycine 218 with cysteine.
Molecular consequence: missense variant.
Genome position (GRCh38, 1-based): chr17:50,197,776, C>A on the plus strand (G>T on the coding strand, the complement: COL1A1 is on the minus strand). VCF-style: chr17-50197776-C-A. GRCh37 (hg19) VCF-style: chr17-48275137-C-A.
Other names: short protein forms G218C.
Identifiers: ClinVar variation 1442398 (VCV001442398.9), dbSNP rs2144586064, ClinGen allele CA400224800.